The following is an entry in ClinVar:

NM_004385.5(VCAN):c.9203A>C (p.Glu3068Ala)

Genes: VCAN (versican; plus strand), VCAN-AS1 (VCAN antisense RNA 1; minus strand). Cytogenetic location: 5q14.3.
Variant type: single nucleotide variant.
Coding change: c.9203A>C on transcript NM_004385.5 (MANE Select); coding-DNA position 9203, A replaced by C.
Protein change: p.Glu3068Ala; replaces glutamic acid 3068 with alanine.
Molecular consequence: missense variant. On other transcripts: intron variant (2).
Genome position (GRCh38, 1-based): chr5:83,542,206, A>C. VCF-style: chr5-83542206-A-C. GRCh37 (hg19) VCF-style: chr5-82838025-A-C.
Other names: c.6242A>C, p.Glu2081Ala (NM_001164097.2); c.4004-3331A>C (NM_001164098.2); c.1043-3331A>C (NM_001126336.3); short protein forms E2081A, E3068A.
Identifiers: ClinVar variation 1348469 (VCV001348469.6), dbSNP rs754975280, ClinGen allele CA3333930.
Genomic context (GRCh38, chr5:83,542,206, plus strand): 5'-CTGTGGAATTTAATACTGAGGTTGCAACACCACCATTTTCCCTTCTGGAGACTTCTAATG[A>C]AACAGATTTCCTGATTGGCATTAATGAAGAGTCAGTGGAAGGCACGGCAATCTATTTACC-3'
Protein context (NP_004376.2, residues 3058-3078): PPFSLLETSN[Glu3068Ala]TDFLIGINEE

ClinVar aggregate classification (germline): Uncertain significance (1 of 4 stars; one submission).

Allele frequency attached by ClinVar (database versions not stated): ExAC 0.00001; gnomAD 0.00001; TOPMed 0.00001; gnomAD exomes 0.00002.
gnomAD v4.1: 6 of 1,613,970 alleles (0.00037%); highest among the groups gnomAD compares: Admixed American, 0.0083%; no homozygotes.

Submission:

Labcorp Genetics (formerly Invitae), Labcorp
Classification: Uncertain significance. Last evaluated: 2022-10-24. Review status: criteria provided, single submitter. Criteria: Invitae Variant Classification Sherloc (09022015). Collection method: clinical testing. Allele origin: germline.
Comment: In summary, the available evidence is currently insufficient to determine the role of this variant in disease. Therefore, it has been classified as a Variant of Uncertain Significance. Algorithms developed to predict the effect of missense changes on protein structure and function are either unavailable or do not agree on the potential impact of this missense change (SIFT: "Deleterious"; PolyPhen-2: "Benign"; Align-GVGD: "Class C65"). ClinVar contains an entry for this variant (Variation ID: 1348469). This variant has not been reported in the literature in individuals affected with VCAN-related conditions. This variant is present in population databases (rs754975280, gnomAD 0.01%). This sequence change replaces glutamic acid, which is acidic and polar, with alanine, which is neutral and non-polar, at codon 3068 of the VCAN protein (p.Glu3068Ala).